The following is an entry in ClinVar:

ClinVar aggregate classification (germline): Benign (3 of 4 stars; one submission).

Conditions:
Breast-ovarian cancer, familial, susceptibility to, 2 (BROVCA2). Also called: BRCA2 Hereditary Breast and Ovarian Cancer. Identifiers: Orphanet 145, MedGen C2675520, MONDO:0012933, OMIM 612555. Disease mechanism: loss of function.

Allele frequency attached by ClinVar (database versions not stated): 1000 Genomes Project 30x 0.00593; gnomAD 0.00595; 1000 Genomes Project 0.00539; TOPMed 0.00729.
gnomAD v4.1: 919 of 152,030 alleles (0.6%); highest among the groups gnomAD compares: African/African-American, 2.1%; 9 homozygotes.

Submission:

Evidence-based Network for the Interpretation of Germline Mutant Alleles (ENIGMA)
Classification: Benign for Breast-ovarian cancer, familial 2. Last evaluated: 2015-01-12. Review status: reviewed by expert panel. Criteria: ENIGMA BRCA1/2 Classification Criteria (2015). Collection method: curation. Allele origin: germline.
Comment: Class 1 not pathogenic based on frequency >1% in an outbred sampleset. Frequency 0.03455 (African), derived from 1000 genomes (2012-04-30).

NM_000059.4(BRCA2):c.8633-952G>A

Gene: BRCA2 (BRCA2 DNA repair associated; plus strand). Cytogenetic location: 13q13.1.
Variant type: single nucleotide variant.
Coding change: c.8633-952G>A on transcript NM_000059.4 (MANE Select); 952 bases into the intron before coding-DNA position 8633, G replaced by A.
Molecular consequence: intron variant.
Genome position (GRCh38, 1-based): chr13:32,375,718, G>A. VCF-style: chr13-32375718-G-A. GRCh37 (hg19) VCF-style: chr13-32949855-G-A.
Other names: IVS 20-952G>A.
Identifiers: ClinVar variation 209833 (VCV000209833.1), dbSNP rs11571756, ClinGen allele CA276801.